The following is an entry in ClinVar:

NM_004612.4(TGFBR1):c.689C>A (p.Ala230Asp)

Gene: TGFBR1 (transforming growth factor beta receptor 1; plus strand). Cytogenetic location: 9q22.33.
Variant type: single nucleotide variant.
Coding change: c.689C>A on transcript NM_004612.4 (MANE Select); coding-DNA position 689, C replaced by A.
Protein change: p.Ala230Asp; replaces alanine 230 with aspartic acid.
Molecular consequence: missense variant. On other transcripts: non-coding transcript variant (4), intron variant (2).
Genome position (GRCh38, 1-based): chr9:99,137,973, C>A. VCF-style: chr9-99137973-C-A. GRCh37 (hg19) VCF-style: chr9-101900255-C-A.
Other names: c.458C>A, p.Ala153Asp (NM_001130916.3); c.701C>A, p.Ala234Asp (NM_001306210.2, NM_001407416.1); c.689C>A, p.Ala230Asp (NM_001407417.1); c.494C>A, p.Ala165Asp (NM_001407418.1, NM_001407419.1, NM_001407420.1 and 1 more transcripts); c.482C>A, p.Ala161Asp (NM_001407423.1, NM_001407424.1, NM_001407425.1 and 8 more transcripts); c.443C>A, p.Ala148Asp (NM_001407436.1); c.212C>A, p.Ala71Asp (NM_001407438.1); c.575-4563C>A (NM_001407435.1); and 1 more; short protein forms A148D, A153D, A161D, A165D, A230D, A234D, A71D.
Identifiers: ClinVar variation 4888096 (VCV004888096.1).

ClinVar aggregate classification (germline): Uncertain significance (1 of 4 stars; one submission).

Submission:

GeneDx
Classification: Uncertain significance. Last evaluated: 2026-03-05. Review status: criteria provided, single submitter. Criteria: GeneDx Variant Classification Process June 2021. Collection method: clinical testing. Allele origin: germline.
Comment: Not observed at significant frequency in large population cohorts (gnomAD); In silico analysis supports that this missense variant has a deleterious effect on protein structure/function; This variant is associated with the following publications: (PMID: 32339686)